The following is an entry in ClinVar:

ClinVar aggregate classification (germline): Uncertain significance (1 of 4 stars; one submission).

Conditions:
Brody myopathy. Also called: BRODY DISEASE. Identifiers: Orphanet 53347, MedGen C1832918, MONDO:0010977, OMIM 601003.

gnomAD v4.1: 6 of 1,613,708 alleles (0.00037%); highest among the groups gnomAD compares: South Asian, 0.0033%; no homozygotes.

Submission:

Labcorp Genetics (formerly Invitae), Labcorp
Classification: Uncertain significance for Brody myopathy. Last evaluated: 2024-12-07. Review status: criteria provided, single submitter. Criteria: Invitae Variant Classification Sherloc (09022015). Collection method: clinical testing. Allele origin: germline.
Comment: This sequence change replaces glutamic acid, which is acidic and polar, with lysine, which is basic and polar, at codon 309 of the ATP2A1 protein (p.Glu309Lys). This variant is present in population databases (rs750049229, gnomAD 0.007%). This variant has not been reported in the literature in individuals affected with ATP2A1-related conditions. An algorithm developed to predict the effect of missense changes on protein structure and function (PolyPhen-2) suggests that this variant is likely to be disruptive. In summary, the available evidence is currently insufficient to determine the role of this variant in disease. Therefore, it has been classified as a Variant of Uncertain Significance.

NM_004320.6(ATP2A1):c.925G>A (p.Glu309Lys)

Gene: ATP2A1 (ATPase sarcoplasmic/endoplasmic reticulum Ca2+ transporting 1; plus strand). Cytogenetic location: 16p11.2.
Variant type: single nucleotide variant.
Coding change: c.925G>A on transcript NM_004320.6 (MANE Select); coding-DNA position 925, G replaced by A.
Protein change: p.Glu309Lys; replaces glutamic acid 309 with lysine.
Molecular consequence: missense variant.
Genome position (GRCh38, 1-based): chr16:28,887,719, G>A. VCF-style: chr16-28887719-G-A. GRCh37 (hg19) VCF-style: chr16-28899040-G-A.
Other names: c.550G>A, p.Glu184Lys (NM_001286075.2); c.925G>A, p.Glu309Lys (NM_173201.5); short protein forms E309K, E184K.
Identifiers: ClinVar variation 3649488 (VCV003649488.2).